The following is an entry in ClinVar:

NM_012387.3(PADI4):c.333C>T (p.Thr111=)

Gene: PADI4 (peptidyl arginine deiminase 4; plus strand). Cytogenetic location: 1p36.13.
Variant type: single nucleotide variant.
Coding change: c.333C>T on transcript NM_012387.3 (MANE Select); coding-DNA position 333, C replaced by T.
Protein change: p.Thr111=; no amino-acid change (threonine 111 retained).
Molecular consequence: synonymous variant.
Genome position (GRCh38, 1-based): chr1:17,334,002, C>T. VCF-style: chr1-17334002-C-T. GRCh37 (hg19) VCF-style: chr1-17660497-C-T.
Identifiers: ClinVar variation 3057496 (VCV003057496.2), dbSNP rs141897176, ClinGen allele CA640413.

ClinVar aggregate classification (germline): Likely benign (0 of 4 stars; one submission).

Conditions:
PADI4-related disorder. Also called: PADI4-related condition.

Allele frequency attached by ClinVar (database versions not stated): 1000 Genomes Project 30x 0.00016; ExAC 0.00016; 1000 Genomes Project 0.00020; ESP Exome Variant Server 0.00023.
gnomAD v4.1: 127 of 1,607,048 alleles (0.0079%); highest among the groups gnomAD compares: African/African-American, 0.13%; no homozygotes.

Submission:

PreventionGenetics, part of Exact Sciences
Classification: Likely benign for PADI4-related condition. Last evaluated: 2019-02-19. Review status: no assertion criteria provided. Collection method: clinical testing. Allele origin: germline.
Comment: This variant is classified as likely benign based on ACMG/AMP sequence variant interpretation guidelines (Richards et al. 2015 PMID: 25741868, with internal and published modifications).